The following is an entry in ClinVar:

ClinVar aggregate classification (germline): Benign/Likely benign. Review status: criteria provided, multiple submitters, no conflicts (2 of 4 stars). 7 submissions from 7 submitters: Benign (3); Likely benign (3). 1 of the submissions does not count toward it. Last evaluated 2026-01-26.

Conditions:
Inborn genetic diseases. Identifiers: MedGen C0950123, MeSH D030342.
ARID1B-Related Disorder. Identifiers: MedGen CN381337.
Coffin-Siris syndrome 1 (CSS1). Also called: Mental retardation, autosomal dominant 12; ARID1B-Related Coffin-Siris Syndrome. Identifiers: Orphanet 1465, MedGen C3281201, MONDO:0007617, OMIM 135900. Disease mechanism: gain of function.

Allele frequency attached by ClinVar (database versions not stated): 1000 Genomes Project 0.00020; TOPMed 0.00024; 1000 Genomes Project 30x 0.00031; ESP Exome Variant Server 0.00031; gnomAD 0.00038; gnomAD exomes 0.00038 and 0.00041; ExAC 0.00043.
gnomAD v4.1: 605 of 1,611,150 alleles (0.038%); highest among the groups gnomAD compares: Non-Finnish European, 0.042%; no homozygotes.

Submissions (7):

Labcorp Genetics (formerly Invitae), Labcorp
Classification: Likely benign. Last evaluated: 2026-01-26. Review status: criteria provided, single submitter. Criteria: Invitae Variant Classification Sherloc (09022015). Collection method: clinical testing. Allele origin: germline.

CeGaT Center for Human Genetics Tuebingen
Classification: Likely benign. Last evaluated: 2026-01-01. Review status: criteria provided, single submitter. Criteria: CeGaT Center For Human Genetics Tuebingen Variant Classification Criteria Version 2. Collection method: clinical testing. Allele origin: germline. Affected: yes. Observed: 9 variant alleles.
Comment: ARID1B: BP4

Blueprint Genetics
Classification: Likely benign. Last evaluated: 2024-09-11. Review status: criteria provided, single submitter. Criteria: ACMG Guidelines, 2015. Collection method: clinical testing. Allele origin: germline.

Genome-Nilou Lab
Classification: Benign for Coffin-Siris syndrome 1. Last evaluated: 2021-07-15. Review status: criteria provided, single submitter. Criteria: ACMG Guidelines, 2015. Collection method: clinical testing. Allele origin: germline. Affected: no.

GeneDx
Classification: Benign. Last evaluated: 2019-08-07. Review status: criteria provided, single submitter. Criteria: GeneDx Variant Classification Process June 2021. Collection method: clinical testing. Allele origin: germline. Affected: yes.
Comment: This variant is associated with the following publications: (PMID: 22405089)

Ambry Genetics
Classification: Benign for Inborn genetic diseases. Last evaluated: 2019-05-19. Review status: criteria provided, single submitter. Criteria: Ambry Variant Classification Scheme 2023. Collection method: clinical testing. Allele origin: germline.

PreventionGenetics, part of Exact Sciences
Classification: Likely benign for ARID1B-related condition. Last evaluated: 2022-08-25. Review status: no assertion criteria provided. Collection method: clinical testing. Allele origin: germline. Not counted in ClinVar's aggregate classification.
Comment: This variant is classified as likely benign based on ACMG/AMP sequence variant interpretation guidelines (Richards et al. 2015 PMID: 25741868, with internal and published modifications).

Literature cited by the submitters: PubMed 22405089 (cited by Ambry Genetics).

NM_001374828.1(ARID1B):c.3188A>T (p.Gln1063Leu)

Gene: ARID1B (AT-rich interaction domain 1B; plus strand). Cytogenetic location: 6q25.3.
Variant type: single nucleotide variant.
Coding change: c.3188A>T on transcript NM_001374828.1 (MANE Select); coding-DNA position 3188, A replaced by T.
Protein change: p.Gln1063Leu; replaces glutamine 1063 with leucine.
Molecular consequence: missense variant.
Genome position (GRCh38, 1-based): chr6:157,167,138, A>T. VCF-style: chr6-157167138-A-T. GRCh37 (hg19) VCF-style: chr6-157488272-A-T.
Other names: c.689A>T, p.Gln230Leu (NM_001363725.2); c.3227A>T, p.Gln1076Leu (NM_001371656.1, NM_001374820.1); c.3188A>T, p.Gln1063Leu (NM_017519.3); c.2978A>T, p.Gln993Leu (NM_020732.3); short protein forms Q993L, Q230L, Q1063L, Q1076L.
Identifiers: ClinVar variation 589704 (VCV000589704.57), dbSNP rs139620600, ClinGen allele CA4067221.